The following is an entry in ClinVar:

ClinVar aggregate classification (germline): Uncertain significance. Review status: criteria provided, multiple submitters, no conflicts (2 of 4 stars). 2 submissions from 2 submitters: Uncertain significance (2). Last evaluated 2023-04-15.

Conditions:
Charcot-Marie-Tooth disease axonal type 2P. Also called: CHARCOT-MARIE-TOOTH NEUROPATHY, TYPE 2P; Charcot-Marie-Tooth Neuropathy Type 2G; CHARCOT-MARIE-TOOTH DISEASE, AXONAL, TYPE 2G; CMT 2G. Identifiers: Orphanet 300319, Orphanet 99941, MedGen C3280797, MONDO:0013753, OMIM 614436.

Allele frequency attached by ClinVar (database versions not stated): gnomAD exomes 0.00001; TOPMed 0.00001; ExAC 0.00002.
gnomAD v4.1: 9 of 1,613,784 alleles (0.00056%); highest among the groups gnomAD compares: Admixed American, 0.0033%; no homozygotes.

Submissions (2):

Labcorp Genetics (formerly Invitae), Labcorp
Classification: Uncertain significance for Charcot-Marie-Tooth disease axonal type 2P. Last evaluated: 2023-04-15. Review status: criteria provided, single submitter. Criteria: Invitae Variant Classification Sherloc (09022015). Collection method: clinical testing. Allele origin: germline.
Comment: Advanced modeling of protein sequence and biophysical properties (such as structural, functional, and spatial information, amino acid conservation, physicochemical variation, residue mobility, and thermodynamic stability) performed at Invitae indicates that this missense variant is not expected to disrupt LRSAM1 protein function. In summary, the available evidence is currently insufficient to determine the role of this variant in disease. Therefore, it has been classified as a Variant of Uncertain Significance. ClinVar contains an entry for this variant (Variation ID: 2159041). This sequence change replaces methionine, which is neutral and non-polar, with valine, which is neutral and non-polar, at codon 643 of the LRSAM1 protein (p.Met643Val). This variant is present in population databases (rs749299326, gnomAD 0.006%). This variant has not been reported in the literature in individuals affected with LRSAM1-related conditions.

Department of Pathology and Laboratory Medicine, Sinai Health System
Classification: Uncertain significance for Charcot-Marie-Tooth disease axonal type 2P. Last evaluated: 2022-03-03. Review status: criteria provided, single submitter. Criteria: ACMG Guidelines, 2015. Collection method: research. Allele origin: germline.

NM_001005373.4(LRSAM1):c.1927A>G (p.Met643Val)

Gene: LRSAM1 (leucine rich repeat and sterile alpha motif containing 1; plus strand). Cytogenetic location: 9q34.11.
Variant type: single nucleotide variant.
Coding change: c.1927A>G on transcript NM_001005373.4 (MANE Select); coding-DNA position 1927, A replaced by G.
Protein change: p.Met643Val; replaces methionine 643 with valine.
Molecular consequence: missense variant. On other transcripts: non-coding transcript variant (2).
Genome position (GRCh38, 1-based): chr9:127,501,024, A>G. VCF-style: chr9-127501024-A-G. GRCh37 (hg19) VCF-style: chr9-130263303-A-G.
Other names: c.1927A>G, p.Met643Val (NM_001005374.4, NM_001384142.1, NM_138361.5); c.1846A>G, p.Met616Val (NM_001190723.3); c.1828A>G, p.Met610Val (NM_001384143.1); c.1138A>G, p.Met380Val (NM_001384144.1); short protein forms M380V, M610V, M643V, M616V.
Identifiers: ClinVar variation 2159041 (VCV002159041.5), dbSNP rs749299326, ClinGen allele CA5247203.